The following is an entry in ClinVar:

NM_012238.5(SIRT1):c.372CGA[5] (p.Asp127dup)

Gene: SIRT1 (sirtuin 1; plus strand). Cytogenetic location: 10q21.3.
Variant type: Microsatellite.
Coding change: c.372CGA[5] on transcript NM_012238.5 (MANE Select); five copies in a row of the 3-base unit CGA starting at c.372; the reference has four copies in a row; one copy, 3 bases duplicated.
Protein change: p.Asp127dup; duplicates aspartic acid 127.
Molecular consequence: inframe insertion.
Genome position (GRCh38, 1-based): chr10:67,885,102-67,885,104, CGA duplicated; duplicating any 3 consecutive bases within chr10:67,885,091-67,885,104 gives the same sequence; the position shown is the placement nearest the transcript's 3' end. VCF-style (leftmost placement, unchanged base first): chr10-67885090-A-AGAC. GRCh37 (hg19) VCF-style: chr10-69644848-A-AGAC.
Identifiers: ClinVar variation 1394849 (VCV001394849.6), dbSNP rs751108703, ClinGen allele CA5520987.
Genomic context (GRCh38, chr10:67,885,090, plus strand): 5'-TGGGCCGGGCCTGCAGGGCCCATCTCGGGAGCCACCGCTGGCCGACAACTTGTACGACGA[A>AGAC]GACGACGACGACGAGGGCGAGGAGGAGGAAGAGGCGGCGGCGGCGGCGATTGGGTACCGA-3'

ClinVar aggregate classification (germline): Uncertain significance (1 of 4 stars; one submission).

Submission:

Labcorp Genetics (formerly Invitae), Labcorp
Classification: Uncertain significance. Last evaluated: 2024-02-23. Review status: criteria provided, single submitter. Criteria: Invitae Variant Classification Sherloc (09022015). Collection method: clinical testing. Allele origin: germline.
Comment: This variant, c.381_383dup, results in the insertion of 1 amino acid(s) of the SIRT1 protein (p.Asp127dup), but otherwise preserves the integrity of the reading frame. This variant is present in population databases (rs751108703, gnomAD 0.009%). This variant has not been reported in the literature in individuals affected with SIRT1-related conditions. Experimental studies and prediction algorithms are not available or were not evaluated, and the functional significance of this variant is currently unknown. In summary, the available evidence is currently insufficient to determine the role of this variant in disease. Therefore, it has been classified as a Variant of Uncertain Significance.